The following is an entry in ClinVar:

ClinVar aggregate classification (germline): Uncertain significance (1 of 4 stars; one submission).

Conditions:
Renal cell carcinoma. Identifiers: Orphanet 217071, MedGen C0007134, MeSH D002292, MONDO:0005086, HP:0005584.

Submission:

Labcorp Genetics (formerly Invitae), Labcorp
Classification: Uncertain significance for Renal cell carcinoma. Last evaluated: 2020-01-22. Review status: criteria provided, single submitter. Criteria: Invitae Variant Classification Sherloc (09022015). Collection method: clinical testing. Allele origin: germline.
Comment: In summary, the available evidence is currently insufficient to determine the role of this variant in disease. Therefore, it has been classified as a Variant of Uncertain Significance. This sequence change creates a premature translational stop signal (p.Gly456Aspfs*21) in the MET gene. It is expected to result in an absent or disrupted protein product. This variant is not present in population databases (ExAC no frequency). This variant has not been reported in the literature in individuals with MET-related conditions. The current clinical and genetic evidence is not sufficient to establish whether loss-of-function variants in MET cause disease.

NM_000245.4(MET):c.1367_1370del (p.Gly456fs)

Gene: MET (MET proto-oncogene, receptor tyrosine kinase; plus strand). Cytogenetic location: 7q31.2.
Variant type: Deletion.
Coding change: c.1367_1370del on transcript NM_000245.4 (MANE Select); coding-DNA positions 1367 to 1370, 4 bases deleted (GGAC; older notation c.1367_1370delGGAC).
Protein change: p.Gly456fs; shifts the reading frame from glycine 456.
Molecular consequence: frameshift variant.
Genome position (GRCh38, 1-based): chr7:116,731,834-116,731,837, GGAC deleted. VCF-style (leftmost placement, unchanged base first): chr7-116731833-GGGAC-G. GRCh37 (hg19) VCF-style: chr7-116371887-GGGAC-G.
Other names: c.1367_1370del, p.Gly456fs (NM_001127500.3, NM_001324401.3); c.77_80del, p.Gly26fs (NM_001324402.2); short protein forms G26fs, G456fs.
Identifiers: ClinVar variation 999734 (VCV000999734.7), dbSNP rs1793020534, ClinGen allele CA1737017157.